The following is an entry in ClinVar:

ClinVar aggregate classification (germline): Uncertain significance (1 of 4 stars; one submission).

Allele frequency attached by ClinVar (database versions not stated): gnomAD 0.00001; TOPMed 0.00001.
gnomAD v4.1: 37 of 1,612,784 alleles (0.0023%); highest among the groups gnomAD compares: Non-Finnish European, 0.0031%; no homozygotes.

Submission:

Labcorp Genetics (formerly Invitae), Labcorp
Classification: Uncertain significance. Last evaluated: 2025-12-31. Review status: criteria provided, single submitter. Criteria: Invitae Variant Classification Sherloc (09022015). Collection method: clinical testing. Allele origin: germline.
Comment: This sequence change replaces tyrosine, which is neutral and polar, with cysteine, which is neutral and slightly polar, at codon 142 of the EIF2AK2 protein (p.Tyr142Cys). The frequency data for this variant in the population databases is considered unreliable, as metrics indicate poor data quality at this position in the gnomAD database. This variant has not been reported in the literature in individuals affected with EIF2AK2-related conditions. ClinVar contains an entry for this variant (Variation ID: 2776176). An algorithm developed to predict the effect of missense changes on protein structure and function (PolyPhen-2) suggests that this variant is likely to be disruptive. In summary, the available evidence is currently insufficient to determine the role of this variant in disease. Therefore, it has been classified as a Variant of Uncertain Significance.

NM_001135651.3(EIF2AK2):c.425A>G (p.Tyr142Cys)

Gene: EIF2AK2 (eukaryotic translation initiation factor 2 alpha kinase 2; minus strand). Cytogenetic location: 2p22.2.
Variant type: single nucleotide variant.
Coding change: c.425A>G on transcript NM_001135651.3 (MANE Select); coding-DNA position 425, A replaced by G.
Protein change: p.Tyr142Cys; replaces tyrosine 142 with cysteine.
Molecular consequence: missense variant.
Genome position (GRCh38, 1-based): chr2:37,139,722, T>C on the plus strand (A>G on the coding strand, the complement: EIF2AK2 is on the minus strand). VCF-style: chr2-37139722-T-C. GRCh37 (hg19) VCF-style: chr2-37366865-T-C.
Other names: c.425A>G, p.Tyr142Cys (NM_001135652.3, NM_002759.4); short protein forms Y142C.
Identifiers: ClinVar variation 2776176 (VCV002776176.3), dbSNP rs760178328, ClinGen allele CA45460683.